The following is an entry in ClinVar:

ClinVar aggregate classification (germline): Likely benign (0 of 4 stars; one submission).

Conditions:
COA7-related disorder. Also called: COA7-related condition.

Allele frequency attached by ClinVar (database versions not stated): ExAC 0.00002; TOPMed 0.00002; gnomAD 0.00004; gnomAD exomes 0.00007.
gnomAD v4.1: 107 of 1,605,630 alleles (0.0067%); highest among the groups gnomAD compares: Non-Finnish European, 0.0089%; no homozygotes.

Submission:

PreventionGenetics, part of Exact Sciences
Classification: Likely benign for COA7-related condition. Last evaluated: 2019-10-23. Review status: no assertion criteria provided. Collection method: clinical testing. Allele origin: germline.
Comment: This variant is classified as likely benign based on ACMG/AMP sequence variant interpretation guidelines (Richards et al. 2015 PMID: 25741868, with internal and published modifications).

NM_023077.3(COA7):c.-6C>T

Genes: COA7 (cytochrome c oxidase assembly factor 7; minus strand), LOC129930554 (ATAC-STARR-seq lymphoblastoid silent region 897; plus strand). Cytogenetic location: 1p32.3.
Variant type: single nucleotide variant.
Coding change: c.-6C>T on transcript NM_023077.3 (MANE Select); 6 bases upstream of the start codon, C replaced by T.
Molecular consequence: 5 prime UTR variant.
Genome position (GRCh38, 1-based): chr1:52,698,332, G>A on the plus strand (C>T on the coding strand, the complement: COA7 is on the minus strand). VCF-style: chr1-52698332-G-A. GRCh37 (hg19) VCF-style: chr1-53164004-G-A.
Identifiers: ClinVar variation 3045661 (VCV003045661.2), dbSNP rs772934047, ClinGen allele CA855799.